The following is an entry in ClinVar:

ClinVar aggregate classification (germline): Uncertain significance. Review status: criteria provided, multiple submitters, no conflicts (2 of 4 stars). 4 submissions from 4 submitters: Uncertain significance (4). Last evaluated 2025-12-03.

Conditions:
Hypertrophic cardiomyopathy 14. Identifiers: MedGen C2750467, MONDO:0013197, OMIM 613251.
MYH6-related disorder. Also called: MYH6-Related Disorders; MYH6-related condition.
Atrial septal defect 3 (ASD3). Identifiers: Orphanet 1478, MedGen C3279790, MONDO:0013567, OMIM 614089.
Hypertrophic cardiomyopathy 1 (CMH1). Also called: Familial hypertrophic cardiomyopathy 1; MYH7-Related Familial Hypertrophic Cardiomyopathy. Identifiers: MedGen C3495498, MONDO:0008647, OMIM 192600.
Sick sinus syndrome 3, susceptibility to (SSS3). Identifiers: Orphanet 166282, MedGen C3279791, MONDO:0013568, OMIM 614090.
Dilated cardiomyopathy 1EE (CMD1EE). Identifiers: Orphanet 154, MedGen C2750466, MONDO:0013198, OMIM 613252.

Allele frequency attached by ClinVar (database versions not stated): TOPMed 0.00001; ExAC 0.00002; gnomAD exomes 0.00003.
gnomAD v4.1: 42 of 1,614,122 alleles (0.0026%); highest among the groups gnomAD compares: East Asian, 0.022%; no homozygotes.

Submissions (4):

PreventionGenetics, part of Exact Sciences
Classification: Uncertain significance for MYH6-related condition. Last evaluated: 2025-12-03. Review status: criteria provided, single submitter. Criteria: ACMG Guidelines, 2015. Collection method: clinical testing. Allele origin: germline.
Comment: The MYH6 c.3755G>A variant is predicted to result in the amino acid substitution p.Arg1252Gln. This variant has been reported in an individual with sick sinus syndrome who also carried an additional variant in the gene, and functional studies suggest that the R1252Q variant may impair protein function (Hayashi et al 2020. PubMed ID: 31977013). This variant is reported in 0.0054% of alleles in individuals of East Asian descent in gnomAD. At this time, the clinical significance of this variant is uncertain due to the absence of conclusive functional and genetic evidence.

GeneDx
Classification: Uncertain significance. Last evaluated: 2025-03-19. Review status: criteria provided, single submitter. Criteria: GeneDx Variant Classification Process June 2021. Collection method: clinical testing. Allele origin: germline. Affected: yes.
Comment: Identified in a patient with cardiac conduction system disease (CCSD) who harbored a second variant in MYH6 (PMID: 31977013); In silico analysis supports that this missense variant has a deleterious effect on protein structure/function; This variant is associated with the following publications: (PMID: 34426522, 31977013)

Labcorp Genetics (formerly Invitae), Labcorp
Classification: Uncertain significance for Hypertrophic cardiomyopathy 14. Last evaluated: 2025-01-19. Review status: criteria provided, single submitter. Criteria: Invitae Variant Classification Sherloc (09022015). Collection method: clinical testing. Allele origin: germline.
Comment: This sequence change replaces arginine, which is basic and polar, with glutamine, which is neutral and polar, at codon 1252 of the MYH6 protein (p.Arg1252Gln). This variant is present in population databases (rs759454361, gnomAD 0.006%). This missense change has been observed in individual(s) with sick sinus syndrome (PMID: 31977013). ClinVar contains an entry for this variant (Variation ID: 1308556). Invitae Evidence Modeling of protein sequence and biophysical properties (such as structural, functional, and spatial information, amino acid conservation, physicochemical variation, residue mobility, and thermodynamic stability) indicates that this missense variant is expected to disrupt MYH6 protein function with a positive predictive value of 80%. Experimental studies have shown that this missense change affects MYH6 function (PMID: 31977013). In summary, the available evidence is currently insufficient to determine the role of this variant in disease. Therefore, it has been classified as a Variant of Uncertain Significance.

Fulgent Genetics
Classification: Uncertain significance for Hypertrophic cardiomyopathy 1; Hypertrophic cardiomyopathy 14; Dilated cardiomyopathy 1EE; Atrial septal defect 3; Sick sinus syndrome 3, susceptibility to. Last evaluated: 2021-08-10. Review status: criteria provided, single submitter. Criteria: ACMG Guidelines, 2015. Collection method: clinical testing. Allele origin: unknown.

Literature cited by the submitters: PubMed 31977013 (cited by Labcorp Genetics (formerly Invitae), Labcorp).

NM_002471.4(MYH6):c.3755G>A (p.Arg1252Gln)

Gene: MYH6 (myosin heavy chain 6; minus strand). Cytogenetic location: 14q11.2.
Variant type: single nucleotide variant.
Coding change: c.3755G>A on transcript NM_002471.4 (MANE Select); coding-DNA position 3755, G replaced by A.
Protein change: p.Arg1252Gln; replaces arginine 1252 with glutamine.
Molecular consequence: missense variant.
Genome position (GRCh38, 1-based): chr14:23,389,697, C>T on the plus strand (G>A on the coding strand, the complement: MYH6 is on the minus strand). VCF-style: chr14-23389697-C-T. GRCh37 (hg19) VCF-style: chr14-23858906-C-T.
Other names: short protein forms R1252Q.
Identifiers: ClinVar variation 1308556 (VCV001308556.8), dbSNP rs759454361, ClinGen allele CA7115079.
Genomic context (GRCh38, chr14:23,389,697, plus strand): 5'-AGGGAGCGTTGGGCCTCTTCTAGCTTCACGCGGTACTCATTGGCCTGGTCCTCCAGCGTC[C>T]GAGACACTTTCTCCAGGTTTGCCTTCAGGAAGCAAGACAGGAAGGGTGAGTGTGGGAGGG-3'
Protein context (NP_002462.2, residues 1242-1262): KAKANLEKVS[Arg1252Gln]TLEDQANEYR